The following is an entry in ClinVar:

NM_024596.5(MCPH1):c.1345AAG[1] (p.Lys450del)

Gene: MCPH1 (microcephalin 1; plus strand). Cytogenetic location: 8p23.1.
Variant type: Microsatellite.
Coding change: c.1345AAG[1] on transcript NM_024596.5 (MANE Select); one copy of the 3-base unit AAG starting at c.1345; the reference has two copies in a row; one copy, 3 bases deleted.
Protein change: p.Lys450del; deletes lysine 450.
Molecular consequence: inframe deletion. On other transcripts: inframe indel (2), non-coding transcript variant (1).
Genome position (GRCh38, 1-based): chr8:6,445,070-6,445,072, AAG deleted; deleting any 3 consecutive bases within chr8:6,445,067-6,445,072 gives the same sequence; the position shown is the placement nearest the transcript's 3' end. VCF-style (leftmost placement, unchanged base first): chr8-6445066-TAAG-T. GRCh37 (hg19) VCF-style: chr8-6302587-TAAG-T.
Other names: c.1345AAG[1], p.Lys450del (NM_001172574.2, NM_001322042.2, NM_001363979.1 and 1 more transcripts); c.1201AAG[1], p.Lys402del (NM_001172575.2); c.1339AAG[1], p.Lys448del (NM_001322043.2); c.1243AAG[1], p.Lys416del (NM_001322045.2); c.1345_1347AAG[1], p.Lys450del (NM_001410916.1, NM_001410917.1); short protein forms K448del, K416del, K450del, K402del.
Identifiers: ClinVar variation 2229547 (VCV002229547.2), dbSNP rs1178624570, ClinGen allele CA580027947.

ClinVar aggregate classification (germline): Uncertain significance (1 of 4 stars; one submission).

Conditions:
Inborn genetic diseases. Identifiers: MedGen C0950123, MeSH D030342.

Submission:

Ambry Genetics
Classification: Uncertain significance for Inborn genetic diseases. Last evaluated: 2021-03-22. Review status: criteria provided, single submitter. Criteria: Ambry Variant Classification Scheme 2023. Collection method: clinical testing. Allele origin: germline.
Comment: The c.1348_1350delAAG () alteration is located in exon 8 (coding exon 8) of the MCPH1 gene. This alteration consists of an in-frame deletion of 3 nucleotides between nucleotide positions c.1348 and c.1350, resulting in the deletion of <NA> residues. In addition, this alteration is predicted to be inconclusive by in silico analysis (Choi, 2012). Based on insufficient or conflicting evidence, the clinical significance of this alteration remains unclear.